The following is an entry in ClinVar:

NM_005033.3(EXOSC9):c.634C>T (p.Arg212Ter)

Gene: EXOSC9 (exosome component 9; plus strand). Cytogenetic location: 4q27.
Variant type: single nucleotide variant.
Coding change: c.634C>T on transcript NM_005033.3 (MANE Select); coding-DNA position 634, C replaced by T.
Protein change: p.Arg212Ter; replaces arginine 212 with a stop codon.
Molecular consequence: nonsense.
Genome position (GRCh38, 1-based): chr4:121,809,995, C>T. VCF-style: chr4-121809995-C-T. GRCh37 (hg19) VCF-style: chr4-122731150-C-T.
Other names: c.634C>T, p.Arg212Ter (NM_001034194.2); short protein forms R212*.
Identifiers: ClinVar variation 2143770 (VCV002143770.4), dbSNP rs778875319, ClinGen allele CA3063480.

ClinVar aggregate classification (germline): Pathogenic. Review status: criteria provided, multiple submitters, no conflicts (2 of 4 stars). 2 submissions from 2 submitters: Pathogenic (2). Last evaluated 2025-08-23.

Conditions:
Pontocerebellar hypoplasia, type 1D. Identifiers: MedGen C4748058, MONDO:0054844, OMIM 618065.

Allele frequency attached by ClinVar (database versions not stated): gnomAD exomes 0.00001; TOPMed 0.00002; gnomAD 0.00001; ExAC 0.00002.
gnomAD v4.1: 9 of 1,613,790 alleles (0.00056%); highest among the groups gnomAD compares: Admixed American, 0.01%; no homozygotes.

Submissions (2):

Variantyx, Inc.
Classification: Pathogenic for Pontocerebellar hypoplasia, type 1D. Last evaluated: 2025-08-23. Review status: criteria provided, single submitter. Criteria: Variantyx Assertion Criteria 2022. Collection method: clinical testing. Allele origin: germline. Inheritance: Autosomal recessive inheritance. Affected: no.
Comment: This is a nonsense variant in the EXOSC9 gene (OMIM: 606180). Pathogenic variants in this gene have been associated with autosomal recessive pontocerebellar hypoplasia type 1D. This variant introduces a premature termination codon in exon 7 out of 12 and is expected to result in loss of function, which is a known disease mechanism for EXOSC9 in this disorder (PMID: 29727687, 33040083) (PVS1). This variant has been identified in the compound heterozygous state in at least 1 individual reported in the published literature (PMID: 35893425) (PM3) and has a 0.0100% maximum allele frequency in non-founder control populations (PM2). Based on the current evidence, this variant is classified as pathogenic for autosomal recessive pontocerebellar hypoplasia type 1D.

Labcorp Genetics (formerly Invitae), Labcorp
Classification: Pathogenic. Last evaluated: 2023-12-22. Review status: criteria provided, single submitter. Criteria: Invitae Variant Classification Sherloc (09022015). Collection method: clinical testing. Allele origin: germline.
Comment: This sequence change creates a premature translational stop signal (p.Arg212*) in the EXOSC9 gene. It is expected to result in an absent or disrupted protein product. Loss-of-function variants in EXOSC9 are known to be pathogenic (PMID: 29727687, 33040083). This variant is present in population databases (rs778875319, gnomAD 0.02%). This premature translational stop signal has been observed in individual(s) with pontocerebellar hypoplasia (PMID: 35893425). ClinVar contains an entry for this variant (Variation ID: 2143770). Algorithms developed to predict the effect of sequence changes on RNA splicing suggest that this variant may disrupt the consensus splice site. For these reasons, this variant has been classified as Pathogenic.

Literature cited by the submitters: PubMed 35893425 (cited by Variantyx, Inc. and Labcorp Genetics (formerly Invitae), Labcorp); PubMed 29727687 (cited by Labcorp Genetics (formerly Invitae), Labcorp); PubMed 33040083 (cited by Labcorp Genetics (formerly Invitae), Labcorp).